The following is an entry in ClinVar:

NM_017617.5(NOTCH1):c.4549G>A (p.Asp1517Asn)

Gene: NOTCH1 (notch receptor 1; minus strand). Cytogenetic location: 9q34.3.
Variant type: single nucleotide variant.
Coding change: c.4549G>A on transcript NM_017617.5 (MANE Select); coding-DNA position 4549, G replaced by A.
Protein change: p.Asp1517Asn; replaces aspartic acid 1517 with asparagine.
Molecular consequence: missense variant.
Genome position (GRCh38, 1-based): chr9:136,505,347, C>T on the plus strand (G>A on the coding strand, the complement: NOTCH1 is on the minus strand). VCF-style: chr9-136505347-C-T. GRCh37 (hg19) VCF-style: chr9-139399799-C-T.
Other names: c.4549G>A, p.Asp1517Asn (LRG_1122t1); c.4549G>A (NM_017617.3); short protein forms D1517N.
Identifiers: ClinVar variation 523598 (VCV000523598.6), dbSNP rs1554727954, ClinGen allele CA375646665.
Genomic context (GRCh38, chr9:136,505,347, plus strand): 5'-CCCCATGAGCCCCGCAGCCTTACTTGCACTGGCCTTCCGCACGCTGGCAGTCAAAGCCGT[C>T]GAAGAGGCAGCCGGCTGAGTTGCACTGGCTGTCACAGTGGCCGTCACTGAAGTACTTCCA-3'
Protein context (NP_060087.3, residues 1507-1527): SQCNSAGCLF[Asp1517Asn]GFDCQRAEGQ

ClinVar aggregate classification (germline): Pathogenic/Likely pathogenic. Review status: criteria provided, multiple submitters, no conflicts (2 of 4 stars). 3 submissions from 3 submitters: Pathogenic (1); Likely pathogenic (2). Last evaluated 2024-09-05.

Conditions:
Adams-Oliver syndrome 5 (AOS5). Identifiers: Orphanet 974, MedGen C4014970, MONDO:0014459, OMIM 616028.

Submissions (3):

Labcorp Genetics (formerly Invitae), Labcorp
Classification: Pathogenic for Adams-Oliver syndrome 5. Last evaluated: 2024-09-05. Review status: criteria provided, single submitter. Criteria: Invitae Variant Classification Sherloc (09022015). Collection method: clinical testing. Allele origin: germline.
Comment: This sequence change replaces aspartic acid, which is acidic and polar, with asparagine, which is neutral and polar, at codon 1517 of the NOTCH1 protein (p.Asp1517Asn). This variant is not present in population databases (gnomAD no frequency). This missense change has been observed in individual(s) with Adams–Oliver syndrome and/or congenital heart disease (PMID: 12774039, 26785492, 29924900, 31941532). In at least one individual the variant was observed to be de novo. ClinVar contains an entry for this variant (Variation ID: 523598). Invitae Evidence Modeling of protein sequence and biophysical properties (such as structural, functional, and spatial information, amino acid conservation, physicochemical variation, residue mobility, and thermodynamic stability) indicates that this missense variant is expected to disrupt NOTCH1 protein function with a positive predictive value of 80%. For these reasons, this variant has been classified as Pathogenic.

GeneDx
Classification: Likely pathogenic. Last evaluated: 2022-10-20. Review status: criteria provided, single submitter. Criteria: GeneDx Variant Classification Process June 2021. Collection method: clinical testing. Allele origin: germline. Affected: yes.
Comment: Not observed at significant frequency in large population cohorts (gnomAD); In silico analysis supports that this missense variant has a deleterious effect on protein structure/function; This variant is associated with the following publications: (PMID: 28191890, 28991257, 32368696, 26785492, 29924900)

Centre of Medical Genetics, University of Antwerp
Classification: Likely pathogenic for Adams-Oliver syndrome 5. Last evaluated: 2017-12-01. Review status: criteria provided, single submitter. Criteria: Criteria for classifying variants, Center of Medical Genetics Antwerp, 2018. Collection method: research. Allele origin: de novo. Affected: yes.

Literature cited by the submitters: PubMed 12774039 (cited by Labcorp Genetics (formerly Invitae), Labcorp); PubMed 26785492 (cited by Labcorp Genetics (formerly Invitae), Labcorp); PubMed 29924900 (cited by Labcorp Genetics (formerly Invitae), Labcorp and Centre of Medical Genetics, University of Antwerp); PubMed 31941532 (cited by Labcorp Genetics (formerly Invitae), Labcorp).